The following is an entry in ClinVar:

NM_015474.4(SAMHD1):c.465T>G (p.Tyr155Ter)

Gene: SAMHD1 (SAM and HD domain containing deoxynucleoside triphosphate triphosphohydrolase 1; minus strand). Cytogenetic location: 20q11.23.
Variant type: single nucleotide variant.
Coding change: c.465T>G on transcript NM_015474.4 (MANE Select); coding-DNA position 465, T replaced by G.
Protein change: p.Tyr155Ter; replaces tyrosine 155 with a stop codon.
Molecular consequence: nonsense.
Genome position (GRCh38, 1-based): chr20:36,935,073, A>C on the plus strand (T>G on the coding strand, the complement: SAMHD1 is on the minus strand). VCF-style: chr20-36935073-A-C. GRCh37 (hg19) VCF-style: chr20-35563476-A-C.
Other names: c.465T>G, p.Tyr155Ter (NM_001363729.2, NM_001363733.2); short protein forms Y155*.
Identifiers: ClinVar variation 2964280 (VCV002964280.3), dbSNP rs1257890707, ClinGen allele CA408822968.

ClinVar aggregate classification (germline): Pathogenic (1 of 4 stars; one submission).

Conditions:
Aicardi-Goutieres syndrome 5. Identifiers: Orphanet 51, MedGen C2749659, MONDO:0013059, OMIM 612952.

Submission:

Labcorp Genetics (formerly Invitae), Labcorp
Classification: Pathogenic for Aicardi-Goutieres syndrome 5. Last evaluated: 2025-07-09. Review status: criteria provided, single submitter. Criteria: Invitae Variant Classification Sherloc (09022015). Collection method: clinical testing. Allele origin: germline.
Comment: This sequence change creates a premature translational stop signal (p.Tyr155*) in the SAMHD1 gene. It is expected to result in an absent or disrupted protein product. Loss-of-function variants in SAMHD1 are known to be pathogenic (PMID: 19525956, 22461318). This variant is present in population databases (no rsID available, gnomAD 0.007%). This variant has not been reported in the literature in individuals affected with SAMHD1-related conditions. ClinVar contains an entry for this variant (Variation ID: 2964280). For these reasons, this variant has been classified as Pathogenic.

Literature cited by the submitters: PubMed 19525956; PubMed 22461318.